The following is an entry in ClinVar:

NM_002485.5(NBN):c.1896G>T (p.Trp632Cys)

Genes: NBN (nibrin; minus strand), LOC126860438 (MED14-independent group 3 enhancer GRCh37_chr8:90959982-90961181; plus strand). Cytogenetic location: 8q21.3.
Variant type: single nucleotide variant.
Coding change: c.1896G>T on transcript NM_002485.5 (MANE Select); coding-DNA position 1896, G replaced by T.
Protein change: p.Trp632Cys; replaces tryptophan 632 with cysteine.
Molecular consequence: missense variant.
Genome position (GRCh38, 1-based): chr8:89,947,842, C>A on the plus strand (G>T on the coding strand, the complement: NBN is on the minus strand). VCF-style: chr8-89947842-C-A. GRCh37 (hg19) VCF-style: chr8-90960070-C-A.
Other names: c.1650G>T, p.Trp550Cys (NM_001024688.3); short protein forms W632C, W550C.
Identifiers: ClinVar variation 663577 (VCV000663577.9), dbSNP rs1221760506, ClinGen allele CA371677219.

ClinVar aggregate classification (germline): Uncertain significance (1 of 4 stars; one submission).

Conditions:
Microcephaly, normal intelligence and immunodeficiency (NBS). Also called: Microcephaly with normal intelligence immunodeficiency and lymphoreticular malignancies; Nonsyndromal microcephaly autosomal recessive with normal intelligence; Seemanova syndrome 2; Immunodeficiency, microcephaly with normal intelligence; SEEMANOVA SYNDROME II; Ataxia telangiectasia variant V1. Identifiers: Orphanet 647, MedGen C0398791, MONDO:0009623, OMIM 251260.

Submission:

Labcorp Genetics (formerly Invitae), Labcorp
Classification: Uncertain significance for Microcephaly, normal intelligence and immunodeficiency. Last evaluated: 2018-08-15. Review status: criteria provided, single submitter. Criteria: Invitae Variant Classification Sherloc (09022015). Collection method: clinical testing. Allele origin: germline.
Comment: In summary, the available evidence is currently insufficient to determine the role of this variant in disease. Therefore, it has been classified as a Variant of Uncertain Significance. Algorithms developed to predict the effect of missense changes on protein structure and function are either unavailable or do not agree on the potential impact of this missense change (SIFT: "Tolerated"; PolyPhen-2: "Possibly Damaging"; Align-GVGD: "Class C0"). This variant has not been reported in the literature in individuals with NBN-related disease. This variant is not present in population databases (ExAC no frequency). This sequence change replaces tryptophan with cysteine at codon 632 of the NBN protein (p.Trp632Cys). The tryptophan residue is weakly conserved and there is a large physicochemical difference between tryptophan and cysteine.